The following is an entry in ClinVar:

ClinVar aggregate classification (germline): Likely benign. Review status: reviewed by expert panel (3 of 4 stars). 8 submissions from 8 submitters: Likely benign (1). 7 of the submissions do not count toward it. Last evaluated 2017-06-29.

Conditions:
Hereditary cancer-predisposing syndrome. Also called: Tumor predisposition; Hereditary Cancer Syndrome; Hereditary neoplastic syndrome; Neoplastic Syndromes, Hereditary. Identifiers: Orphanet 140162, MedGen C0027672, MeSH D009386, MONDO:0015356.
Hereditary breast ovarian cancer syndrome. Also called: Breast and ovarian cancer; Hereditary breast and ovarian cancer syndrome; Hereditary breast and ovarian cancer; BRCA1- and BRCA2-Associated Hereditary Breast and Ovarian Cancer; Hereditary breast and ovarian cancer syndrome (HBOC); Hereditary breast and/or ovarian cancer syndrome. Identifiers: Orphanet 145, MedGen C0677776, MeSH D061325, MONDO:0003582. Disease mechanism: loss of function.
Breast-ovarian cancer, familial, susceptibility to, 2 (BROVCA2). Also called: BRCA2 Hereditary Breast and Ovarian Cancer. Identifiers: Orphanet 145, MedGen C2675520, MONDO:0012933, OMIM 612555. Disease mechanism: loss of function.

Allele frequency attached by ClinVar (database versions not stated): ExAC 0.00001; gnomAD exomes below 0.00001.
gnomAD v4.1: 7 of 1,611,142 alleles (0.00043%); highest among the groups gnomAD compares: Non-Finnish European, 0.00059%; no homozygotes.

Submissions (8):

Evidence-based Network for the Interpretation of Germline Mutant Alleles (ENIGMA)
Classification: Likely benign for Breast-ovarian cancer, familial, susceptibility to, 2. Last evaluated: 2017-06-29. Review status: reviewed by expert panel. Criteria: ENIGMA BRCA1/2 Classification Criteria (2017-06-29). Collection method: curation. Allele origin: germline.
Comment: Synonymous substitution variant, with low bioinformatic likelihood to result in a splicing aberration (Splicing prior probability 0.02).

Labcorp Genetics (formerly Invitae), Labcorp
Classification: Likely benign for Hereditary breast ovarian cancer syndrome. Last evaluated: 2025-11-10. Review status: criteria provided, single submitter. Criteria: Invitae Variant Classification Sherloc (09022015). Collection method: clinical testing. Allele origin: germline. Not counted in ClinVar's aggregate classification.

Center for Genomic Medicine, Rigshospitalet, Copenhagen University Hospital
Classification: Likely benign. Last evaluated: 2025-03-04. Review status: criteria provided, single submitter. Criteria: ACMG Guidelines, 2015. Collection method: clinical testing. Allele origin: germline. Not counted in ClinVar's aggregate classification.

All of Us Research Program, National Institutes of Health
Classification: Likely benign for Breast-ovarian cancer, familial, susceptibility to, 2. Last evaluated: 2023-05-04. Review status: criteria provided, single submitter. Criteria: ACMG Guidelines, 2015. Collection method: clinical testing. Allele origin: germline. Inheritance: Autosomal dominant inheritance. Observed: 1 variant allele, 1 heterozygote. Not counted in ClinVar's aggregate classification.
Comment: This study involves interpretation of variants in research participants for the purpose of population health screening. Participant phenotype was not available at the time of variant classification. Additional details can be found in publication PMID: 35346344, PMCID: PMC8962531

Women's Health and Genetics/Laboratory Corporation of America, LabCorp
Classification: Likely benign. Last evaluated: 2019-09-20. Review status: criteria provided, single submitter. Criteria: LabCorp Variant Classification Summary - May 2015. Collection method: clinical testing. Allele origin: germline. Not counted in ClinVar's aggregate classification.

GeneDx
Classification: Likely benign. Last evaluated: 2019-08-12. Review status: criteria provided, single submitter. Criteria: GeneDx Variant Classification Process June 2021. Collection method: clinical testing. Allele origin: germline. Affected: yes. Not counted in ClinVar's aggregate classification.

Color Diagnostics, LLC DBA Color Health
Classification: Likely benign for Hereditary cancer-predisposing syndrome. Last evaluated: 2017-11-21. Review status: criteria provided, single submitter. Criteria: ACMG Guidelines, 2015. Collection method: clinical testing. Allele origin: germline. Not counted in ClinVar's aggregate classification.

Ambry Genetics
Classification: Likely benign for Hereditary cancer-predisposing syndrome. Last evaluated: 2017-08-08. Review status: criteria provided, single submitter. Criteria: Ambry Variant Classification Scheme 2023. Collection method: clinical testing. Allele origin: germline. Not counted in ClinVar's aggregate classification.

NM_000059.4(BRCA2):c.1354C>T (p.Leu452=)

Gene: BRCA2 (BRCA2 DNA repair associated; plus strand). Cytogenetic location: 13q13.1.
Variant type: single nucleotide variant.
Coding change: c.1354C>T on transcript NM_000059.4 (MANE Select); coding-DNA position 1354, C replaced by T.
Protein change: p.Leu452=; no amino-acid change (leucine 452 retained).
Molecular consequence: synonymous variant.
Genome position (GRCh38, 1-based): chr13:32,332,832, C>T. VCF-style: chr13-32332832-C-T. GRCh37 (hg19) VCF-style: chr13-32906969-C-T.
Identifiers: ClinVar variation 184119 (VCV000184119.22), dbSNP rs80358424, ClinGen allele CA011732.